The following is an entry in ClinVar:

NM_002519.3(NPAT):c.2258A>T (p.Asp753Val)

Gene: NPAT (nuclear protein, coactivator of histone transcription; minus strand). Cytogenetic location: 11q22.3.
Variant type: single nucleotide variant.
Coding change: c.2258A>T on transcript NM_002519.3 (MANE Select); coding-DNA position 2258, A replaced by T.
Protein change: p.Asp753Val; replaces aspartic acid 753 with valine.
Molecular consequence: missense variant.
Genome position (GRCh38, 1-based): chr11:108,172,726, T>A on the plus strand (A>T on the coding strand, the complement: NPAT is on the minus strand). VCF-style: chr11-108172726-T-A. GRCh37 (hg19) VCF-style: chr11-108043453-T-A.
Other names: c.2258A>T, p.Asp753Val (NM_001321307.1); short protein forms D753V.
Identifiers: ClinVar variation 2568010 (VCV002568010.2), dbSNP rs780496583, ClinGen allele CA382513354.
Genomic context (GRCh38, chr11:108,172,726, plus strand): 5'-AAGATTATAGTTGGCAGGTTTTCTCCATTAATACTAGAAACAGCACTGGTAAGTTCAGTA[T>A]CTGAGGAAACAAATGGATCATCACTAATGATAACTTTGAGAGAGACGATATTTGATGCAT-3'
Protein context (NP_002510.2, residues 743-763): IISDDPFVSS[Asp753Val]TELTSAVSSI

ClinVar aggregate classification (germline): Uncertain significance (1 of 4 stars; one submission).

Submission:

Ambry Genetics
Classification: Uncertain significance. Last evaluated: 2023-05-21. Review status: criteria provided, single submitter. Criteria: Ambry Variant Classification Scheme 2023. Collection method: clinical testing. Allele origin: germline.
Comment: The p.D753V variant (also known as c.2258A>T), located in coding exon 13 of the NPAT gene, results from an A to T substitution at nucleotide position 2258. The aspartic acid at codon 753 is replaced by valine, an amino acid with highly dissimilar properties. This amino acid position is conserved. In addition, the in silico prediction for this alteration is inconclusive. Since supporting evidence is limited at this time, the clinical significance of this alteration remains unclear.